The following is an entry in ClinVar:

ClinVar aggregate classification (germline): Uncertain significance (1 of 4 stars; one submission).

Conditions:
Cardiovascular phenotype. Identifiers: MedGen CN230736.
Hereditary cancer-predisposing syndrome. Also called: Hereditary Cancer Syndrome; Hereditary neoplastic syndrome; Neoplastic Syndromes, Hereditary; Tumor predisposition. Identifiers: Orphanet 140162, MedGen C0027672, MeSH D009386, MONDO:0015356.

Submission:

Ambry Genetics
Classification: Uncertain significance for Cardiovascular phenotype; Hereditary cancer-predisposing syndrome. Last evaluated: 2025-05-07. Review status: criteria provided, single submitter. Criteria: Ambry Variant Classification Scheme 2023. Collection method: clinical testing. Allele origin: germline.
Comment: The p.I342F variant (also known as c.1024A>T), located in coding exon 9 of the NF1 gene, results from an A to T substitution at nucleotide position 1024. The isoleucine at codon 342 is replaced by phenylalanine, an amino acid with highly similar properties. This amino acid position is highly conserved in available vertebrate species. In addition, the in silico prediction for this alteration is inconclusive. Based on the available evidence, the clinical significance of this variant remains unclear.

NM_001042492.3(NF1):c.1024A>T (p.Ile342Phe)

Gene: NF1 (neurofibromin 1; plus strand). Cytogenetic location: 17q11.2.
Variant type: single nucleotide variant.
Coding change: c.1024A>T on transcript NM_001042492.3 (MANE Select); coding-DNA position 1024, A replaced by T.
Protein change: p.Ile342Phe; replaces isoleucine 342 with phenylalanine.
Molecular consequence: missense variant.
Genome position (GRCh38, 1-based): chr17:31,200,557, A>T. VCF-style: chr17-31200557-A-T. GRCh37 (hg19) VCF-style: chr17-29527575-A-T.
Other names: c.1024A>T, p.Ile342Phe (NM_000267.4, NM_001128147.3); short protein forms I342F.
Identifiers: ClinVar variation 1769020 (VCV001769020.3), dbSNP rs2066509214, ClinGen allele CA398996353.